The following is an entry in ClinVar:

NM_000350.3(ABCA4):c.6069T>C (p.Ile2023=)

Gene: ABCA4 (ATP binding cassette subfamily A member 4; minus strand). Cytogenetic location: 1p22.1.
Variant type: single nucleotide variant.
Coding change: c.6069T>C on transcript NM_000350.3 (MANE Select); coding-DNA position 6069, T replaced by C.
Protein change: p.Ile2023=; no amino-acid change (isoleucine 2023 retained).
Molecular consequence: synonymous variant.
Genome position (GRCh38, 1-based): chr1:94,005,519, A>G on the plus strand (T>C on the coding strand, the complement: ABCA4 is on the minus strand). VCF-style: chr1-94005519-A-G. GRCh37 (hg19) VCF-style: chr1-94471075-A-G.
Other names: p.I2023I:ATT>ATC; c.5847T>C, p.Ile1949= (NM_001425324.1).
Identifiers: ClinVar variation 136235 (VCV000136235.41), dbSNP rs1762114, ClinGen allele CA202915.

ClinVar aggregate classification (germline): Benign. Review status: criteria provided, multiple submitters, no conflicts (2 of 4 stars). 17 submissions from 14 submitters: Benign (14). 3 of the submissions do not count toward it. Last evaluated 2026-02-14.

Conditions:
ABCA4-related disorder. Also called: ABCA4-related condition; ABCA4-related disorders. Identifiers: MedGen CN239167.
Retinal dystrophy. Also called: Inherited retinal dystrophy. Identifiers: Orphanet 71862, MedGen C0854723, MeSH D058499, MONDO:0019118, HP:0000556.
Cone-rod dystrophy 3 (CORD3). Identifiers: Orphanet 1872, MedGen C1858806, MONDO:0011395, OMIM 604116.
Age related macular degeneration 2. Also called: MACULOPATHY, AGE-RELATED; MACULAR DEGENERATION, SENILE; MACULOPATHY, AGE-RELATED, 2. Identifiers: MedGen C3495438, MONDO:0007932, OMIM 153800.
Retinitis pigmentosa 19 (RP19). Also called: ABCA4-Related Retinitis Pigmentosa. Identifiers: Orphanet 791, MedGen C1866422, MONDO:0011137, OMIM 601718.
Severe early-childhood-onset retinal dystrophy (STGD1). Also called: Stargardt macular dystrophy; Juvenile onset macular degeneration; Stargardt disease 1; MACULAR DYSTROPHY WITH FLECKS, TYPE 1; STGD. Identifiers: Orphanet 364055, Orphanet 827, MedGen C1855465, MeSH D000080362, MONDO:0009549, OMIM 248200.

Allele frequency attached by ClinVar (database versions not stated): 1000 Genomes Project 30x 0.76562; 1000 Genomes Project 0.76997; ExAC 0.88938; ESP Exome Variant Server 0.77572; TOPMed 0.77800; gnomAD 0.79896 and 0.78856; gnomAD exomes 0.89793 and 0.92571.

Submissions (17):

Women's Health and Genetics/Laboratory Corporation of America, LabCorp
Classification: Benign. Last evaluated: 2026-02-14. Review status: criteria provided, single submitter. Criteria: LabCorp Variant Classification Summary - May 2015. Collection method: clinical testing. Allele origin: germline.

Labcorp Genetics (formerly Invitae), Labcorp
Classification: Benign. Last evaluated: 2026-02-04. Review status: criteria provided, single submitter. Criteria: Invitae Variant Classification Sherloc (09022015). Collection method: clinical testing. Allele origin: germline.

Blueprint Genetics
Classification: Benign. Last evaluated: 2024-11-26. Review status: criteria provided, single submitter. Criteria: ACMG Guidelines, 2015. Collection method: clinical testing. Allele origin: germline.

ARUP Laboratories, Molecular Genetics and Genomics, ARUP Laboratories
Classification: Benign. Last evaluated: 2023-11-29. Review status: criteria provided, single submitter. Criteria: ARUP Molecular Germline Variant Investigation Process 2024. Collection method: clinical testing. Allele origin: germline.

Dept Of Ophthalmology, Nagoya University
Classification: Benign for Retinal dystrophy. Last evaluated: 2023-10-01. Review status: criteria provided, single submitter. Criteria: Submitter's publication. Collection method: research. Allele origin: germline. Affected: yes.

Genome-Nilou Lab
Classification: Benign for Severe early-childhood-onset retinal dystrophy. Last evaluated: 2021-07-14. Review status: criteria provided, single submitter. Criteria: ACMG Guidelines, 2015. Collection method: clinical testing. Allele origin: germline. Affected: no.

Genome-Nilou Lab
Classification: Benign for Retinitis pigmentosa 19. Last evaluated: 2021-07-14. Review status: criteria provided, single submitter. Criteria: ACMG Guidelines, 2015. Collection method: clinical testing. Allele origin: germline. Affected: no.

Genome-Nilou Lab
Classification: Benign for Cone-rod dystrophy 3. Last evaluated: 2021-07-14. Review status: criteria provided, single submitter. Criteria: ACMG Guidelines, 2015. Collection method: clinical testing. Allele origin: germline. Affected: no.

Genome-Nilou Lab
Classification: Benign for Age related macular degeneration 2. Last evaluated: 2021-07-14. Review status: criteria provided, single submitter. Criteria: ACMG Guidelines, 2015. Collection method: clinical testing. Allele origin: germline. Affected: no.

Illumina Laboratory Services, Illumina
Classification: Benign for ABCA4-Related Disorders. Last evaluated: 2018-01-12. Review status: criteria provided, single submitter. Criteria: ICSL Variant Classification Criteria 13 December 2019. Collection method: clinical testing. Allele origin: germline.
Comment: This variant was observed in the ICSL laboratory as part of a predisposition screen in an ostensibly healthy population. It had not been previously curated by ICSL or reported in the Human Gene Mutation Database (HGMD: prior to June 1st, 2018), and was therefore a candidate for classification through an automated scoring system. Utilizing variant allele frequency, disease prevalence and penetrance estimates, and inheritance mode, an automated score was calculated to assess if this variant is too frequent to cause the disease. Based on the score and internal cut-off values, a variant classified as benign is not then subjected to further curation. The score for this variant resulted in a classification of benign for this disease.

GeneDx
Classification: Benign. Last evaluated: 2017-07-05. Review status: criteria provided, single submitter. Criteria: GeneDx Variant Classification (06012015). Collection method: clinical testing. Allele origin: germline. Affected: yes.
Comment: This variant is considered likely benign or benign based on one or more of the following criteria: it is a conservative change, it occurs at a poorly conserved position in the protein, it is predicted to be benign by multiple in silico algorithms, and/or has population frequency not consistent with disease.

Eurofins Ntd Llc (ga)
Classification: Benign. Last evaluated: 2014-11-06. Review status: criteria provided, single submitter. Criteria: EGL Classification Definitions 2015. Collection method: clinical testing. Allele origin: germline. Observed: 4 variant alleles, 4 homozygotes.

Breakthrough Genomics
Classification: Benign. Review status: criteria provided, single submitter. Criteria: ACMG Guidelines, 2015. Collection method: not provided. Allele origin: germline. Inheritance: Autosomal recessive inheritance. Affected: yes.

PreventionGenetics, part of Exact Sciences
Classification: Benign. Review status: criteria provided, single submitter. Criteria: ACMG Guidelines, 2015. Collection method: clinical testing. Allele origin: germline.

Clinical Genetics DNA and cytogenetics Diagnostics Lab, Erasmus MC, Erasmus Medical Center
Classification: Benign. Review status: no assertion criteria provided. Collection method: clinical testing. Allele origin: germline. Affected: yes. Study: VKGL Data-share Consensus. Not counted in ClinVar's aggregate classification.

Diagnostic Laboratory, Department of Genetics, University Medical Center Groningen
Classification: Benign. Review status: no assertion criteria provided. Collection method: clinical testing. Allele origin: germline. Affected: yes. Study: VKGL Data-share Consensus. Not counted in ClinVar's aggregate classification.

Joint Genome Diagnostic Labs from Nijmegen and Maastricht, Radboudumc and MUMC+
Classification: Benign. Review status: no assertion criteria provided. Collection method: clinical testing. Allele origin: germline. Affected: yes. Study: VKGL Data-share Consensus. Not counted in ClinVar's aggregate classification.